The following is an entry in ClinVar:

ClinVar aggregate classification (germline): Uncertain significance (1 of 4 stars; one submission).

Submission:

Labcorp Genetics (formerly Invitae), Labcorp
Classification: Uncertain significance. Last evaluated: 2025-11-22. Review status: criteria provided, single submitter. Criteria: Invitae Variant Classification Sherloc (09022015). Collection method: clinical testing. Allele origin: germline.
Comment: This sequence change replaces alanine, which is neutral and non-polar, with valine, which is neutral and non-polar, at codon 717 of the TCIRG1 protein (p.Ala717Val). This variant is present in population databases (rs141095902, gnomAD 0.04%). This variant has not been reported in the literature in individuals affected with TCIRG1-related conditions. ClinVar contains an entry for this variant (Variation ID: 2055435). Invitae Evidence Modeling of protein sequence and biophysical properties (such as structural, functional, and spatial information, amino acid conservation, physicochemical variation, residue mobility, and thermodynamic stability) indicates that this missense variant is not expected to disrupt TCIRG1 protein function with a negative predictive value of 80%. In summary, the available evidence is currently insufficient to determine the role of this variant in disease. Therefore, it has been classified as a Variant of Uncertain Significance.

NM_006019.4(TCIRG1):c.2150C>T (p.Ala717Val)

Gene: TCIRG1 (T cell immune regulator 1, ATPase H+ transporting V0 subunit a3; plus strand). Cytogenetic location: 11q13.2.
Variant type: single nucleotide variant.
Coding change: c.2150C>T on transcript NM_006019.4 (MANE Select); coding-DNA position 2150, C replaced by T.
Protein change: p.Ala717Val; replaces alanine 717 with valine.
Molecular consequence: missense variant.
Genome position (GRCh38, 1-based): chr11:68,050,168, C>T. VCF-style: chr11-68050168-C-T. GRCh37 (hg19) VCF-style: chr11-67817635-C-T.
Other names: c.1256C>T, p.Ala419Val (NM_001351059.2); c.1502C>T, p.Ala501Val (NM_006053.4); short protein forms A501V, A419V, A717V.
Identifiers: ClinVar variation 2055435 (VCV002055435.3), dbSNP rs141095902, ClinGen allele CA6147420.